The following is an entry in ClinVar:

NM_004239.4(TRIP11):c.4551_4554del (p.Lys1517fs)

Gene: TRIP11 (thyroid hormone receptor interactor 11; minus strand). Cytogenetic location: 14q32.12.
Variant type: Microsatellite.
Coding change: c.4551_4554del on transcript NM_004239.4 (MANE Select); coding-DNA positions 4551 to 4554, 4 bases deleted (AGAA; older notation c.4551_4554delAGAA).
Protein change: p.Lys1517fs; shifts the reading frame from lysine 1517.
Molecular consequence: frameshift variant.
Genome position (GRCh38, 1-based): chr14:92,003,422-92,003,425, TTCT deleted on the plus strand (AGAA on the coding strand, the reverse complement: TRIP11 is on the minus strand); deleting any 4 consecutive bases within chr14:92,003,422-92,003,429 gives the same sequence; the c. name uses the placement nearest the transcript's 3' end. VCF-style (leftmost placement, unchanged base first): chr14-92003421-GTTCT-G. GRCh37 (hg19) VCF-style: chr14-92469765-GTTCT-G.
Other names: c.4548_4551del, p.Lys1516fs (NM_001321851.1); short protein forms K1517fs, K1516fs.
Identifiers: ClinVar variation 2991772 (VCV002991772.3), dbSNP rs1476093958, ClinGen allele CA615751820.

ClinVar aggregate classification (germline): Pathogenic (1 of 4 stars; one submission).

Conditions:
Achondrogenesis, type IA (ACG1A). Identifiers: Orphanet 932, Orphanet 93299, MedGen C0265273, MONDO:0008701, OMIM 200600.

Submission:

Labcorp Genetics (formerly Invitae), Labcorp
Classification: Pathogenic for Achondrogenesis, type IA. Last evaluated: 2024-12-28. Review status: criteria provided, single submitter. Criteria: Invitae Variant Classification Sherloc (09022015). Collection method: clinical testing. Allele origin: germline.
Comment: This sequence change creates a premature translational stop signal (p.Lys1517Asnfs*8) in the TRIP11 gene. It is expected to result in an absent or disrupted protein product. Loss-of-function variants in TRIP11 are known to be pathogenic (PMID: 20089971, 23956106). This variant is present in population databases (no rsID available, gnomAD 0.009%). This variant has not been reported in the literature in individuals affected with TRIP11-related conditions. ClinVar contains an entry for this variant (Variation ID: 2991772). For these reasons, this variant has been classified as Pathogenic.

Literature cited by the submitters: PubMed 20089971; PubMed 23956106.